The following is an entry in ClinVar:

ClinVar aggregate classification (germline): Uncertain significance (1 of 4 stars; one submission).

gnomAD v4.1: 2 of 1,614,198 alleles (0.00012%); highest among the groups gnomAD compares: East Asian, 0.0045%; no homozygotes.

Submission:

Labcorp Genetics (formerly Invitae), Labcorp
Classification: Uncertain significance. Last evaluated: 2022-09-27. Review status: criteria provided, single submitter. Criteria: Invitae Variant Classification Sherloc (09022015). Collection method: clinical testing. Allele origin: germline.
Comment: In summary, the available evidence is currently insufficient to determine the role of this variant in disease. Therefore, it has been classified as a Variant of Uncertain Significance. Algorithms developed to predict the effect of missense changes on protein structure and function output the following: SIFT: "Deleterious"; PolyPhen-2: "Benign"; Align-GVGD: "Class C0". The glutamine amino acid residue is found in multiple mammalian species, which suggests that this missense change does not adversely affect protein function. This variant has not been reported in the literature in individuals affected with ABCC6-related conditions. This variant is not present in population databases (gnomAD no frequency). This sequence change replaces glutamic acid, which is acidic and polar, with glutamine, which is neutral and polar, at codon 709 of the ABCC6 protein (p.Glu709Gln).

NM_001171.6(ABCC6):c.2125G>C (p.Glu709Gln)

Gene: ABCC6 (ATP binding cassette subfamily C member 6; minus strand). Cytogenetic location: 16p13.11.
Variant type: single nucleotide variant.
Coding change: c.2125G>C on transcript NM_001171.6 (MANE Select); coding-DNA position 2125, G replaced by C.
Protein change: p.Glu709Gln; replaces glutamic acid 709 with glutamine.
Molecular consequence: missense variant. On other transcripts: non-coding transcript variant (1).
Genome position (GRCh38, 1-based): chr16:16,182,534, C>G on the plus strand (G>C on the coding strand, the complement: ABCC6 is on the minus strand). VCF-style: chr16-16182534-C-G. GRCh37 (hg19) VCF-style: chr16-16276391-C-G.
Other names: c.1783G>C, p.Glu595Gln (NM_001351800.1); short protein forms E595Q, E709Q.
Identifiers: ClinVar variation 2107708 (VCV002107708.4), dbSNP rs114303883, ClinGen allele CA394888481.